The following is an entry in ClinVar:

ClinVar aggregate classification (germline): Uncertain significance (1 of 4 stars; one submission).

Conditions:
Muscular dystrophy-dystroglycanopathy (congenital with brain and eye anomalies), type A2. Also called: MUSCULAR DYSTROPHY-DYSTROGLYCANOPATHY (CONGENITAL WITH BRAIN AND EYE ANOMALIES), TYPE A, 2; WALKER-WARBURG SYNDROME OR MUSCLE-EYE-BRAIN DISEASE, POMT2-RELATED. Identifiers: Orphanet 588, Orphanet 899, MedGen C3150411, MONDO:0013154, OMIM 613150.
Autosomal recessive limb-girdle muscular dystrophy type 2N. Also called: MUSCULAR DYSTROPHY-DYSTROGLYCANOPATHY, LIMB-GIRDLE, POMT2-RELATED; Muscular dystrophy-dystroglycanopathy (limb-girdle), type C, 2. Identifiers: Orphanet 206559, MedGen C3150418, MONDO:0013162, OMIM 613158.
Muscular dystrophy-dystroglycanopathy (congenital with impaired intellectual development), type B, 2. Also called: Muscular dystrophy-dystroglycanopathy (congenital with intellectual disability), type B2; MUSCULAR DYSTROPHY, CONGENITAL, POMT2-RELATED. Identifiers: MedGen C3150416, MONDO:0013160, OMIM 613156.

Submission:

Labcorp Genetics (formerly Invitae), Labcorp
Classification: Uncertain significance for Muscular dystrophy-dystroglycanopathy (congenital with impaired intellectual development), type B, 2; Muscular dystrophy-dystroglycanopathy (congenital with brain and eye anomalies), type A2; Autosomal recessive limb-girdle muscular dystrophy type 2N. Last evaluated: 2022-03-23. Review status: criteria provided, single submitter. Criteria: Invitae Variant Classification Sherloc (09022015). Collection method: clinical testing. Allele origin: germline.
Comment: This variant has not been reported in the literature in individuals affected with POMT2-related conditions. This variant is not present in population databases (gnomAD no frequency). This sequence change replaces methionine, which is neutral and non-polar, with threonine, which is neutral and polar, at codon 675 of the POMT2 protein (p.Met675Thr). In summary, the available evidence is currently insufficient to determine the role of this variant in disease. Therefore, it has been classified as a Variant of Uncertain Significance. Algorithms developed to predict the effect of missense changes on protein structure and function (SIFT, PolyPhen-2, Align-GVGD) all suggest that this variant is likely to be disruptive.

NM_013382.7(POMT2):c.2024T>C (p.Met675Thr)

Gene: POMT2 (protein O-mannosyltransferase 2; minus strand). Cytogenetic location: 14q24.3.
Variant type: single nucleotide variant.
Coding change: c.2024T>C on transcript NM_013382.7 (MANE Select); coding-DNA position 2024, T replaced by C.
Protein change: p.Met675Thr; replaces methionine 675 with threonine.
Molecular consequence: missense variant.
Genome position (GRCh38, 1-based): chr14:77,278,737, A>G on the plus strand (T>C on the coding strand, the complement: POMT2 is on the minus strand). VCF-style: chr14-77278737-A-G. GRCh37 (hg19) VCF-style: chr14-77745080-A-G.
Other names: short protein forms M675T.
Identifiers: ClinVar variation 2092526 (VCV002092526.4), dbSNP rs2503155037, ClinGen allele CA390513725.